The following is an entry in ClinVar:

ClinVar aggregate classification (germline): Conflicting classifications of pathogenicity. Review status: criteria provided, conflicting classifications (1 of 4 stars). 3 submissions from 3 submitters: Uncertain significance (2); Likely benign (1). Last evaluated 2025-09-03.

Conditions:
Kabuki syndrome. Also called: Kabuki make-up syndrome; NIIKAWA-KUROKI SYNDROME. Identifiers: Orphanet 2322, MedGen C0796004, MONDO:0016512.
Kabuki syndrome 1 (KABUK1). Also called: KMT2D-Related Kabuki Syndrome. Identifiers: Orphanet 2322, MedGen CN030661, MONDO:0007843, OMIM 147920.
Choanal atresia-athelia-hypothyroidism-delayed puberty-short stature syndrome (BCAHH). Also called: BRANCHIAL ARCH ABNORMALITIES, CHOANAL ATRESIA, ATHELIA, HEARING LOSS, AND HYPOTHYROIDISM SYNDROME. Identifiers: Orphanet 589856, MedGen C5680310, MONDO:0035651, OMIM 620186.
KMT2D-related disorder. Also called: KMT2D-Related Disorders.

Allele frequency attached by ClinVar (database versions not stated): gnomAD exomes below 0.00001; ExAC 0.00001; gnomAD 0.00001; TOPMed 0.00001.
gnomAD v4.1: 4 of 1,613,666 alleles (0.00025%); highest among the groups gnomAD compares: Admixed American, 0.0067%; no homozygotes.

Submissions (3):

PreventionGenetics, part of Exact Sciences
Classification: Uncertain significance for KMT2D-related condition. Last evaluated: 2025-09-03. Review status: criteria provided, single submitter. Criteria: ACMG Guidelines, 2015. Collection method: clinical testing. Allele origin: germline.
Comment: The KMT2D c.52G>T variant is predicted to result in the amino acid substitution p.Asp18Tyr. To our knowledge, this variant has not been reported in the literature. This variant is reported in 0.0058% of alleles in individuals of Latino descent in gnomAD. At this time, the clinical significance of this variant is uncertain due to the absence of conclusive functional and genetic evidence.

Fulgent Genetics
Classification: Uncertain significance for Kabuki syndrome 1; Choanal atresia-athelia-hypothyroidism-delayed puberty-short stature syndrome. Last evaluated: 2024-05-16. Review status: criteria provided, single submitter. Criteria: ACMG Guidelines, 2015. Collection method: clinical testing. Allele origin: germline.

Labcorp Genetics (formerly Invitae), Labcorp
Classification: Likely benign for Kabuki syndrome. Last evaluated: 2023-07-17. Review status: criteria provided, single submitter. Criteria: Invitae Variant Classification Sherloc (09022015). Collection method: clinical testing. Allele origin: germline.

NM_003482.4(KMT2D):c.52G>T (p.Asp18Tyr)

Gene: KMT2D (lysine methyltransferase 2D; minus strand). Cytogenetic location: 12q13.12.
Variant type: single nucleotide variant.
Coding change: c.52G>T on transcript NM_003482.4 (MANE Select); coding-DNA position 52, G replaced by T.
Protein change: p.Asp18Tyr; replaces aspartic acid 18 with tyrosine.
Molecular consequence: missense variant.
Genome position (GRCh38, 1-based): chr12:49,055,024, C>A on the plus strand (G>T on the coding strand, the complement: KMT2D is on the minus strand). VCF-style: chr12-49055024-C-A. GRCh37 (hg19) VCF-style: chr12-49448807-C-A.
Other names: short protein forms D18Y.
Identifiers: ClinVar variation 2057041 (VCV002057041.6), dbSNP rs749662138, ClinGen allele CA6548801.
Genomic context (GRCh38, chr12:49,055,024, plus strand): 5'-CATGTGGGTTGGGCAGGTCTGACTCAGTGGCACTTGGGTCCTCAGAAGCTGCAGGTCCAT[C>A]AGCTGAATAAACAGACAAACAGCATGTGTCAGCCATCATCCCTATTTAACACAAAGTCCA-3'
Protein context (NP_003473.3, residues 8-28): GEDKDSEPAA[Asp18Tyr]GPAASEDPSA